The following is an entry in ClinVar:

ClinVar aggregate classification (germline): Uncertain significance (1 of 4 stars; one submission).

Conditions:
Congenital myopathy with internal nuclei and atypical cores. Also called: Myopathy, centronuclear, 4. Identifiers: Orphanet 319160, MedGen C4707232, MONDO:0013890, OMIM 614807.

Allele frequency attached by ClinVar (database versions not stated): TOPMed 0.00001.

Submission:

Labcorp Genetics (formerly Invitae), Labcorp
Classification: Uncertain significance for Congenital myopathy with internal nuclei and atypical cores. Last evaluated: 2025-04-11. Review status: criteria provided, single submitter. Criteria: Invitae Variant Classification Sherloc (09022015). Collection method: clinical testing. Allele origin: germline.
Comment: This sequence change replaces arginine, which is basic and polar, with tryptophan, which is neutral and slightly polar, at codon 16 of the CCDC78 protein (p.Arg16Trp). This variant is present in population databases (no rsID available, gnomAD 0.04%). This variant has not been reported in the literature in individuals affected with CCDC78-related conditions. ClinVar contains an entry for this variant (Variation ID: 567439). Invitae Evidence Modeling of protein sequence and biophysical properties (such as structural, functional, and spatial information, amino acid conservation, physicochemical variation, residue mobility, and thermodynamic stability) indicates that this missense variant is not expected to disrupt CCDC78 protein function with a negative predictive value of 80%. In summary, the available evidence is currently insufficient to determine the role of this variant in disease. Therefore, it has been classified as a Variant of Uncertain Significance.

NM_001378030.1(CCDC78):c.46C>T (p.Arg16Trp)

Gene: CCDC78 (coiled-coil domain containing 78; minus strand). Cytogenetic location: 16p13.3.
Variant type: single nucleotide variant.
Coding change: c.46C>T on transcript NM_001378030.1 (MANE Select); coding-DNA position 46, C replaced by T.
Protein change: p.Arg16Trp; replaces arginine 16 with tryptophan.
Molecular consequence: missense variant. On other transcripts: non-coding transcript variant (3), intron variant (1).
Genome position (GRCh38, 1-based): chr16:726,322, G>A on the plus strand (C>T on the coding strand, the complement: CCDC78 is on the minus strand). VCF-style: chr16-726322-G-A. GRCh37 (hg19) VCF-style: chr16-776322-G-A.
Other names: c.46C>T, p.Arg16Trp (NM_001031737.3, NM_001378031.1); c.-225-237C>T (NM_001378033.1); short protein forms R16W.
Identifiers: ClinVar variation 567439 (VCV000567439.10), dbSNP rs746792512, ClinGen allele CA394106294.